The following is an entry in ClinVar:

ClinVar aggregate classification (germline): Conflicting classifications of pathogenicity. Review status: criteria provided, conflicting classifications (1 of 4 stars). 9 submissions from 9 submitters: Uncertain significance (3); Benign (1); Likely benign (4). 1 of the submissions does not count toward it. Last evaluated 2025-11-03.

Conditions:
Malignant hyperthermia, susceptibility to, 5 (MHS5). Also called: CACNA1S-Related Malignant Hyperthermia Susceptibility. Identifiers: Orphanet 423, MedGen C1866077, MONDO:0011163, OMIM 601887.
Congenital myopathy 18. Also called: Myopathy, congenital, due to dihydropyridine receptor defect; DIHYDROPYRIDINE RECEPTOR CONGENITAL MYOPATHY; DHPR CONGENITAL MYOPATHY. Identifiers: MedGen C5830283, MONDO:0859514, OMIM 620246.
Thyrotoxic periodic paralysis, susceptibility to, 1 (TTPP1). Identifiers: Orphanet 79102, MedGen C2749982, MONDO:0008570, OMIM 188580.
Hypokalemic periodic paralysis, type 1. Also called: Hypokalemic Periodic Paralysis Type 1 (AD); HypoPP. Identifiers: Orphanet 681, MedGen C3714580, MONDO:0042979, OMIM 170400.
CACNA1S-related disorder. Also called: CACNA1S-related condition.

Allele frequency attached by ClinVar (database versions not stated): gnomAD exomes 0.00024 and 0.00019; 1000 Genomes Project 30x 0.00031; ESP Exome Variant Server 0.00008; gnomAD 0.00015 and 0.00016; ExAC 0.00018; 1000 Genomes Project 0.00020; TOPMed 0.00021.

Submissions (9):

Labcorp Genetics (formerly Invitae), Labcorp
Classification: Likely benign for Hypokalemic periodic paralysis, type 1; Malignant hyperthermia, susceptibility to, 5. Last evaluated: 2025-11-03. Review status: criteria provided, single submitter. Criteria: Invitae Variant Classification Sherloc (09022015). Collection method: clinical testing. Allele origin: germline.

GeneDx
Classification: Uncertain significance. Last evaluated: 2025-06-27. Review status: criteria provided, single submitter. Criteria: GeneDx Variant Classification Process June 2021. Collection method: clinical testing. Allele origin: germline. Affected: yes.
Comment: Reported previously in an individual with susceptibility to malignant hyperthermia who also harbored another CACNA1S variant, as well as a variant in RYR1 (PMID: 25735680); In silico analysis suggests that this missense variant does not alter protein structure/function; This variant is associated with the following publications: (PMID: 25735680)

CeGaT Center for Human Genetics Tuebingen
Classification: Likely benign. Last evaluated: 2024-08-01. Review status: criteria provided, single submitter. Criteria: CeGaT Center For Human Genetics Tuebingen Variant Classification Criteria Version 2. Collection method: clinical testing. Allele origin: germline. Affected: yes. Observed: 2 variant alleles.
Comment: CACNA1S: BP4

Fulgent Genetics
Classification: Likely benign for Hypokalemic periodic paralysis, type 1; Thyrotoxic periodic paralysis, susceptibility to, 1; Malignant hyperthermia, susceptibility to, 5; Congenital myopathy 18. Last evaluated: 2024-02-12. Review status: criteria provided, single submitter. Criteria: ACMG Guidelines, 2015. Collection method: clinical testing. Allele origin: germline.

Revvity Omics, Revvity
Classification: Uncertain significance. Last evaluated: 2023-12-01. Review status: criteria provided, single submitter. Criteria: ACMG Guidelines, 2015. Collection method: clinical testing. Allele origin: germline.

Color Diagnostics, LLC DBA Color Health
Classification: Likely benign for Malignant hyperthermia, susceptibility to, 5. Last evaluated: 2023-02-22. Review status: criteria provided, single submitter. Criteria: ACMG Guidelines, 2015. Collection method: clinical testing. Allele origin: germline.

Institute of Human Genetics, University of Leipzig Medical Center
Classification: Uncertain significance for Malignant hyperthermia, susceptibility to, 5. Last evaluated: 2021-08-03. Review status: criteria provided, single submitter. Criteria: ACMG Guidelines, 2015. Collection method: clinical testing. Allele origin: unknown. Affected: yes.

Athena Diagnostics
Classification: Benign. Last evaluated: 2020-04-17. Review status: criteria provided, single submitter. Criteria: Athena Diagnostics Criteria. Collection method: clinical testing. Allele origin: unknown.

PreventionGenetics, part of Exact Sciences
Classification: Uncertain significance for CACNA1S-related condition. Last evaluated: 2024-07-07. Review status: no assertion criteria provided. Collection method: clinical testing. Allele origin: germline. Not counted in ClinVar's aggregate classification.
Comment: The CACNA1S c.2099C>T variant is predicted to result in the amino acid substitution p.Thr700Met. This variant was observed along with a second CACNA1S variant in an individual undergoing testing for malignant hyperthermia (Gillies et al. 2015. PubMed ID: 25735680). This variant is reported in 0.037% of alleles in individuals of Latino descent in gnomAD. At this time, the clinical significance of this variant is uncertain due to the absence of conclusive functional and genetic evidence.

Literature cited by the submitters: PubMed 25735680 (cited by Athena Diagnostics).

NM_000069.3(CACNA1S):c.2099C>T (p.Thr700Met)

Gene: CACNA1S (calcium voltage-gated channel subunit alpha1 S; minus strand). Cytogenetic location: 1q32.1.
Variant type: single nucleotide variant.
Coding change: c.2099C>T on transcript NM_000069.3 (MANE Select); coding-DNA position 2099, C replaced by T.
Protein change: p.Thr700Met; replaces threonine 700 with methionine.
Molecular consequence: missense variant.
Genome position (GRCh38, 1-based): chr1:201,073,607, G>A on the plus strand (C>T on the coding strand, the complement: CACNA1S is on the minus strand). VCF-style: chr1-201073607-G-A. GRCh37 (hg19) VCF-style: chr1-201042735-G-A.
Other names: short protein forms T700M.
Identifiers: ClinVar variation 422578 (VCV000422578.37), dbSNP rs147112322, ClinGen allele CA078805.